The following is an entry in ClinVar:

NM_004606.5(TAF1):c.1349A>T (p.Asn450Ile)

Gene: TAF1 (TATA-box binding protein associated factor 1; plus strand). Cytogenetic location: Xq13.1.
Variant type: single nucleotide variant.
Coding change: c.1349A>T on transcript NM_004606.5 (MANE Select); coding-DNA position 1349, A replaced by T.
Protein change: p.Asn450Ile; replaces asparagine 450 with isoleucine.
Molecular consequence: missense variant. On other transcripts: non-coding transcript variant (9).
Genome position (GRCh38, 1-based): chrX:71,379,020, A>T. VCF-style: chrX-71379020-A-T. GRCh37 (hg19) VCF-style: chrX-70598870-A-T.
Other names: c.1349A>T, p.Asn450Ile (NM_001286074.2, NM_001440852.1, NM_001440853.1); c.1286A>T, p.Asn429Ile (NM_001440854.1, NM_138923.4); short protein forms N450I, N429I.
Identifiers: ClinVar variation 4753727 (VCV004753727.1).

ClinVar aggregate classification (germline): Uncertain significance (1 of 4 stars; one submission).

gnomAD v4.1: 2 of 1,205,688 alleles (0.00017%); highest among the groups gnomAD compares: Admixed American, 0.0022%; no homozygotes.

Submission:

Labcorp Genetics (formerly Invitae), Labcorp
Classification: Uncertain significance. Last evaluated: 2025-09-27. Review status: criteria provided, single submitter. Criteria: Invitae Variant Classification Sherloc (09022015). Collection method: clinical testing. Allele origin: germline.
Comment: This sequence change replaces asparagine, which is neutral and polar, with isoleucine, which is neutral and non-polar, at codon 470 of the TAF1 protein (p.Asn470Ile). The frequency data for this variant in the population databases is considered unreliable, as metrics indicate poor data quality at this position in the gnomAD database. This variant has not been reported in the literature in individuals affected with TAF1-related conditions. Invitae Evidence Modeling of protein sequence and biophysical properties (such as structural, functional, and spatial information, amino acid conservation, physicochemical variation, residue mobility, and thermodynamic stability) indicates that this missense variant is not expected to disrupt TAF1 protein function with a negative predictive value of 80%. In summary, the available evidence is currently insufficient to determine the role of this variant in disease. Therefore, it has been classified as a Variant of Uncertain Significance.